The following is an entry in ClinVar:

NM_019032.6(ADAMTSL4):c.1089A>G (p.Arg363=)

Genes: ADAMTSL4 (ADAMTS like 4; plus strand), ADAMTSL4-AS2 (ADAMTSL4 antisense RNA 2; minus strand). Cytogenetic location: 1q21.2.
Variant type: single nucleotide variant.
Coding change: c.1089A>G on transcript NM_019032.6 (MANE Select); coding-DNA position 1089, A replaced by G.
Protein change: p.Arg363=; no amino-acid change (arginine 363 retained).
Molecular consequence: synonymous variant.
Genome position (GRCh38, 1-based): chr1:150,554,080, A>G. VCF-style: chr1-150554080-A-G. GRCh37 (hg19) VCF-style: chr1-150526556-A-G.
Other names: c.1089A>G, p.Arg363= (NM_001288607.2, NM_001288608.2, NM_001378596.1 and 1 more transcripts).
Identifiers: ClinVar variation 3061333 (VCV003061333.2), dbSNP rs2526621249, ClinGen allele CA420898071.

ClinVar aggregate classification (germline): Uncertain significance (0 of 4 stars; one submission).

Conditions:
ADAMTSL4-related disorder. Also called: ADAMTSL4-related condition; ADAMTSL4-Related Disorders.

Submission:

PreventionGenetics, part of Exact Sciences
Classification: Uncertain significance for ADAMTSL4-related condition. Last evaluated: 2024-02-15. Review status: no assertion criteria provided. Collection method: clinical testing. Allele origin: germline.
Comment: The ADAMTSL4 c.1089A>G variant is not predicted to result in an amino acid change (p.=). This variant is predicted to impact splicing based on splicing prediction programs (SpliceAI, Jaganathan K, et al. 2019. PubMed ID: 30661751). To our knowledge, this variant has not been reported in the literature or in a large population database, indicating this variant is rare. At this time, the clinical significance of this variant is uncertain due to the absence of conclusive functional and genetic evidence.